The following continues an entry in ClinVar:

NM_022095.4(ZNF335):c.3187C>A (p.Arg1063=)

Gene: ZNF335. ClinVar aggregate classification (germline): Benign/Likely benign. Benign (3); Likely benign (2).

Submissions 34 to 69 of 97:

Dr. Peter K. Rogan Lab, Western University
No classification provided (evidence only). Condition: Uterine corpus endometrial carcinoma. Review status: no classification provided. Collection method: in vitro. Allele origin: not applicable. Functional consequence: cryptic splice site, retained intron. Not counted in ClinVar's aggregate classification.

Dr. Peter K. Rogan Lab, Western University
No classification provided (evidence only). Condition: Cervical cancer. Review status: no classification provided. Collection method: in vitro. Allele origin: not applicable. Functional consequence: retained intron. Not counted in ClinVar's aggregate classification.

Dr. Peter K. Rogan Lab, Western University
No classification provided (evidence only). Condition: Cervical cancer. Review status: no classification provided. Collection method: in vitro. Allele origin: not applicable. Functional consequence: retained intron. Not counted in ClinVar's aggregate classification.

Dr. Peter K. Rogan Lab, Western University
No classification provided (evidence only). Condition: Cervical cancer. Review status: no classification provided. Collection method: in vitro. Allele origin: not applicable. Functional consequence: retained intron. Not counted in ClinVar's aggregate classification.

Dr. Peter K. Rogan Lab, Western University
No classification provided (evidence only). Condition: Cervical cancer. Review status: no classification provided. Collection method: in vitro. Allele origin: not applicable. Functional consequence: retained intron. Not counted in ClinVar's aggregate classification.

Dr. Peter K. Rogan Lab, Western University
No classification provided (evidence only). Condition: Cervical cancer. Review status: no classification provided. Collection method: in vitro. Allele origin: not applicable. Functional consequence: retained intron. Not counted in ClinVar's aggregate classification.

Dr. Peter K. Rogan Lab, Western University
No classification provided (evidence only). Condition: Cervical cancer. Review status: no classification provided. Collection method: in vitro. Allele origin: not applicable. Functional consequence: cryptic splice site, retained intron. Not counted in ClinVar's aggregate classification.

Dr. Peter K. Rogan Lab, Western University
No classification provided (evidence only). Condition: Cervical cancer. Review status: no classification provided. Collection method: in vitro. Allele origin: not applicable. Functional consequence: cryptic splice site, retained intron. Not counted in ClinVar's aggregate classification.

Dr. Peter K. Rogan Lab, Western University
No classification provided (evidence only). Condition: Cervical cancer. Review status: no classification provided. Collection method: in vitro. Allele origin: not applicable. Functional consequence: retained intron. Not counted in ClinVar's aggregate classification.

Dr. Peter K. Rogan Lab, Western University
No classification provided (evidence only). Condition: Cervical cancer. Review status: no classification provided. Collection method: in vitro. Allele origin: not applicable. Functional consequence: retained intron. Not counted in ClinVar's aggregate classification.

Dr. Peter K. Rogan Lab, Western University
No classification provided (evidence only). Condition: Cervical cancer. Review status: no classification provided. Collection method: in vitro. Allele origin: not applicable. Functional consequence: cryptic splice site, retained intron. Not counted in ClinVar's aggregate classification.

Dr. Peter K. Rogan Lab, Western University
No classification provided (evidence only). Condition: Cervical cancer. Review status: no classification provided. Collection method: in vitro. Allele origin: not applicable. Functional consequence: retained intron. Not counted in ClinVar's aggregate classification.

Dr. Peter K. Rogan Lab, Western University
No classification provided (evidence only). Condition: Sarcoma. Review status: no classification provided. Collection method: in vitro. Allele origin: not applicable. Functional consequence: cryptic splice site, retained intron. Not counted in ClinVar's aggregate classification.

Dr. Peter K. Rogan Lab, Western University
No classification provided (evidence only). Condition: Sarcoma. Review status: no classification provided. Collection method: in vitro. Allele origin: not applicable. Functional consequence: retained intron. Not counted in ClinVar's aggregate classification.

Dr. Peter K. Rogan Lab, Western University
No classification provided (evidence only). Condition: Sarcoma. Review status: no classification provided. Collection method: in vitro. Allele origin: not applicable. Functional consequence: retained intron. Not counted in ClinVar's aggregate classification.

Dr. Peter K. Rogan Lab, Western University
No classification provided (evidence only). Condition: Sarcoma. Review status: no classification provided. Collection method: in vitro. Allele origin: not applicable. Functional consequence: cryptic splice site, retained intron. Not counted in ClinVar's aggregate classification.

Dr. Peter K. Rogan Lab, Western University
No classification provided (evidence only). Condition: Sarcoma. Review status: no classification provided. Collection method: in vitro. Allele origin: not applicable. Functional consequence: retained intron. Not counted in ClinVar's aggregate classification.

Dr. Peter K. Rogan Lab, Western University
No classification provided (evidence only). Condition: Sarcoma. Review status: no classification provided. Collection method: in vitro. Allele origin: not applicable. Functional consequence: retained intron. Not counted in ClinVar's aggregate classification.

Dr. Peter K. Rogan Lab, Western University
No classification provided (evidence only). Condition: Sarcoma. Review status: no classification provided. Collection method: in vitro. Allele origin: not applicable. Functional consequence: retained intron. Not counted in ClinVar's aggregate classification.

Dr. Peter K. Rogan Lab, Western University
No classification provided (evidence only). Condition: Sarcoma. Review status: no classification provided. Collection method: in vitro. Allele origin: not applicable. Functional consequence: retained intron. Not counted in ClinVar's aggregate classification.

Dr. Peter K. Rogan Lab, Western University
No classification provided (evidence only). Condition: Sarcoma. Review status: no classification provided. Collection method: in vitro. Allele origin: not applicable. Functional consequence: cryptic splice site, retained intron. Not counted in ClinVar's aggregate classification.

Dr. Peter K. Rogan Lab, Western University
No classification provided (evidence only). Condition: Sarcoma. Review status: no classification provided. Collection method: in vitro. Allele origin: not applicable. Functional consequence: retained intron. Not counted in ClinVar's aggregate classification.

Dr. Peter K. Rogan Lab, Western University
No classification provided (evidence only). Condition: Malignant lymphoma, large B-cell, diffuse. Review status: no classification provided. Collection method: in vitro. Allele origin: not applicable. Functional consequence: retained intron. Not counted in ClinVar's aggregate classification.

Dr. Peter K. Rogan Lab, Western University
No classification provided (evidence only). Condition: Malignant lymphoma, large B-cell, diffuse. Review status: no classification provided. Collection method: in vitro. Allele origin: not applicable. Functional consequence: retained intron. Not counted in ClinVar's aggregate classification.

Dr. Peter K. Rogan Lab, Western University
No classification provided (evidence only). Condition: Hepatocellular carcinoma. Review status: no classification provided. Collection method: in vitro. Allele origin: not applicable. Functional consequence: retained intron. Not counted in ClinVar's aggregate classification.

Dr. Peter K. Rogan Lab, Western University
No classification provided (evidence only). Condition: Hepatocellular carcinoma. Review status: no classification provided. Collection method: in vitro. Allele origin: not applicable. Functional consequence: retained intron. Not counted in ClinVar's aggregate classification.

Dr. Peter K. Rogan Lab, Western University
No classification provided (evidence only). Condition: Hepatocellular carcinoma. Review status: no classification provided. Collection method: in vitro. Allele origin: not applicable. Functional consequence: retained intron. Not counted in ClinVar's aggregate classification.

Dr. Peter K. Rogan Lab, Western University
No classification provided (evidence only). Condition: Hepatocellular carcinoma. Review status: no classification provided. Collection method: in vitro. Allele origin: not applicable. Functional consequence: retained intron. Not counted in ClinVar's aggregate classification.

Dr. Peter K. Rogan Lab, Western University
No classification provided (evidence only). Condition: Hepatocellular carcinoma. Review status: no classification provided. Collection method: in vitro. Allele origin: not applicable. Functional consequence: retained intron. Not counted in ClinVar's aggregate classification.

Dr. Peter K. Rogan Lab, Western University
No classification provided (evidence only). Condition: Hepatocellular carcinoma. Review status: no classification provided. Collection method: in vitro. Allele origin: not applicable. Functional consequence: retained intron. Not counted in ClinVar's aggregate classification.

Dr. Peter K. Rogan Lab, Western University
No classification provided (evidence only). Condition: Hepatocellular carcinoma. Review status: no classification provided. Collection method: in vitro. Allele origin: not applicable. Functional consequence: retained intron. Not counted in ClinVar's aggregate classification.

Dr. Peter K. Rogan Lab, Western University
No classification provided (evidence only). Condition: Nonpapillary renal cell carcinoma. Review status: no classification provided. Collection method: in vitro. Allele origin: not applicable. Functional consequence: retained intron. Not counted in ClinVar's aggregate classification.

Dr. Peter K. Rogan Lab, Western University
No classification provided (evidence only). Condition: Nonpapillary renal cell carcinoma. Review status: no classification provided. Collection method: in vitro. Allele origin: not applicable. Functional consequence: retained intron. Not counted in ClinVar's aggregate classification.

Dr. Peter K. Rogan Lab, Western University
No classification provided (evidence only). Condition: Nonpapillary renal cell carcinoma. Review status: no classification provided. Collection method: in vitro. Allele origin: not applicable. Functional consequence: cryptic splice site. Not counted in ClinVar's aggregate classification.

Dr. Peter K. Rogan Lab, Western University
No classification provided (evidence only). Condition: Nonpapillary renal cell carcinoma. Review status: no classification provided. Collection method: in vitro. Allele origin: not applicable. Functional consequence: cryptic splice site, retained intron. Not counted in ClinVar's aggregate classification.

Dr. Peter K. Rogan Lab, Western University
No classification provided (evidence only). Condition: Nonpapillary renal cell carcinoma. Review status: no classification provided. Collection method: in vitro. Allele origin: not applicable. Functional consequence: cryptic splice site, retained intron. Not counted in ClinVar's aggregate classification.